The following is an entry in ClinVar:

ClinVar aggregate classification (germline): Pathogenic (1 of 4 stars; one submission).

Conditions:
Autosomal recessive limb-girdle muscular dystrophy. Identifiers: Orphanet 102015, MedGen C2931907, MONDO:0015152.

Submission:

Myriad Genetics, Inc.
Classification: Pathogenic for Autosomal recessive limb-girdle muscular dystrophy. Last evaluated: 2025-05-31. Review status: criteria provided, single submitter. Criteria: Myriad Autosomal Dominant, Autosomal Recessive and X-Linked Classification Criteria (2023). Collection method: clinical testing. Allele origin: unknown.
Comment: NM_003494.3(DYSF):c.3556C>T(Q1186*) is expected to be pathogenic in the context of dysferlinopathy. This variant is predicted to lead to an abnormal or absent protein product due to the creation of a premature termination codon in DYSF, a gene where loss-of-function variants are known to be pathogenic. Please note: this variant was assessed in the context of healthy population screening.

NM_001130987.2(DYSF):c.3610C>T (p.Gln1204Ter)

Gene: DYSF (dysferlin; plus strand). Cytogenetic location: 2p13.2.
Variant type: single nucleotide variant.
Coding change: c.3610C>T on transcript NM_001130987.2 (MANE Select); coding-DNA position 3610, C replaced by T.
Protein change: p.Gln1204Ter; replaces glutamine 1204 with a stop codon.
Molecular consequence: nonsense.
Genome position (GRCh38, 1-based): chr2:71,598,599, C>T. VCF-style: chr2-71598599-C-T. GRCh37 (hg19) VCF-style: chr2-71825729-C-T.
Other names: c.3559C>T, p.Gln1187Ter (NM_001130455.2, NM_001130983.2); c.3514C>T, p.Gln1172Ter (NM_001130976.2, NM_001130977.2); c.3556C>T, p.Gln1186Ter (NM_001130978.2, NM_003494.4); c.3649C>T, p.Gln1217Ter (NM_001130979.2); c.3607C>T, p.Gln1203Ter (NM_001130980.2, NM_001130981.2); c.3652C>T, p.Gln1218Ter (NM_001130982.2); c.3517C>T, p.Gln1173Ter (NM_001130984.2, NM_001130986.2); c.3610C>T, p.Gln1204Ter (NM_001130985.2); short protein forms Q1172*, Q1173*, Q1186*, Q1187*, Q1203*, Q1204*, Q1217*, Q1218*.
Identifiers: ClinVar variation 5014540 (VCV005014540.1).